The following is an entry in ClinVar:

NM_016239.4(MYO15A):c.3999C>T (p.Ala1333=)

Gene: MYO15A (myosin XVA; plus strand). Cytogenetic location: 17p11.2.
Variant type: single nucleotide variant.
Coding change: c.3999C>T on transcript NM_016239.4 (MANE Select); coding-DNA position 3999, C replaced by T.
Protein change: p.Ala1333=; no amino-acid change (alanine 1333 retained).
Molecular consequence: synonymous variant.
Genome position (GRCh38, 1-based): chr17:18,127,132, C>T. VCF-style: chr17-18127132-C-T. GRCh37 (hg19) VCF-style: chr17-18030446-C-T.
Identifiers: ClinVar variation 226786 (VCV000226786.22), dbSNP rs192570479, ClinGen allele CA8423682.
Genomic context (GRCh38, chr17:18,127,132, plus strand): 5'-CAGTGGAGAGAGCGGCTCTGGCAAAACTGAGGCCACCAAGCTGATTCTGCGCTACCTGGC[C>T]GCCATGAACCAGAAACGGGAGGTCATGCAGCAGGTGAGTCTACCTGTCTCCCCAGGACCC-3'
Protein context (NP_057323.3, residues 1323-1343): EATKLILRYL[Ala1333=]AMNQKREVMQ

ClinVar aggregate classification (germline): Conflicting classifications of pathogenicity. Review status: criteria provided, conflicting classifications (1 of 4 stars). 6 submissions from 6 submitters: Uncertain significance (1); Benign (4); Likely benign (1). Last evaluated 2026-01-22.

Conditions:
Autosomal recessive nonsyndromic hearing loss 3. Also called: NEUROSENSORY NONSYNDROMIC RECESSIVE DEAFNESS 3. Identifiers: Orphanet 90636, MedGen C1838263, MONDO:0010860, OMIM 600316.

Allele frequency attached by ClinVar (database versions not stated): ESP Exome Variant Server 0.00008; gnomAD exomes 0.00023 and 0.00090; gnomAD 0.00040 and 0.00059; TOPMed 0.00045; ExAC 0.00080; 1000 Genomes Project 0.00339; 1000 Genomes Project 30x 0.00375.
gnomAD v4.1: 567 of 1,614,040 alleles (0.035%); highest among the groups gnomAD compares: East Asian, 0.59%; 9 homozygotes.

Submissions (6):

Labcorp Genetics (formerly Invitae), Labcorp
Classification: Benign. Last evaluated: 2026-01-22. Review status: criteria provided, single submitter. Criteria: Invitae Variant Classification Sherloc (09022015). Collection method: clinical testing. Allele origin: germline.

Blueprint Genetics
Classification: Likely benign. Last evaluated: 2024-11-27. Review status: criteria provided, single submitter. Criteria: ACMG Guidelines, 2015. Collection method: clinical testing. Allele origin: germline.

GeneDx
Classification: Benign. Last evaluated: 2019-03-29. Review status: criteria provided, single submitter. Criteria: GeneDx Variant Classification Process June 2021. Collection method: clinical testing. Allele origin: germline. Affected: yes.

Illumina Laboratory Services, Illumina
Classification: Uncertain significance for Autosomal recessive nonsyndromic hearing loss 3. Last evaluated: 2018-01-12. Review status: criteria provided, single submitter. Criteria: ICSL Variant Classification Criteria 13 December 2019. Collection method: clinical testing. Allele origin: germline.

Eurofins Ntd Llc (ga)
Classification: Benign. Last evaluated: 2016-10-20. Review status: criteria provided, single submitter. Criteria: EGL Classification Definitions 2015. Collection method: clinical testing. Allele origin: germline. Observed: 1 variant allele, 1 heterozygote.

Laboratory for Molecular Medicine, Mass General Brigham Personalized Medicine
Classification: Benign. Last evaluated: 2015-05-05. Review status: criteria provided, single submitter. Criteria: LMM Criteria. Collection method: clinical testing. Allele origin: germline. Observed: 8 variant alleles.
Comment: Ala1333Ala in Exon 07 of MYO15A: This variant is not expected to have clinical s ignificance because it does not alter an amino acid residue, is not located with in the splice consensus sequence, and has been identified in 0.9% (78/8602) of E ast Asian chromosomes by the Exome Aggregation Consortium (ExAC; dbSNP rs192570479).